The following is an entry in ClinVar:

ClinVar aggregate classification (germline): Uncertain significance (1 of 4 stars; one submission).

Conditions:
Hereditary spastic paraplegia 7 (SPG7). Also called: SPASTIC PARAPLEGIA 7, AUTOSOMAL RECESSIVE, WITH OR WITHOUT CEREBELLAR ATAXIA; SPG7-related neurologic disorder; Spastic paraplegia 7; Hereditary spastic paraplegia Paraplegin type; Autosomal recessive spastic paraplegia type 7. Identifiers: Orphanet 99013, MedGen C1846564, MONDO:0011803, OMIM 607259.

gnomAD v4.1: 7 of 1,613,998 alleles (0.00043%); highest among the groups gnomAD compares: Admixed American, 0.0017%; no homozygotes.

Submission:

Labcorp Genetics (formerly Invitae), Labcorp
Classification: Uncertain significance for Hereditary spastic paraplegia 7. Last evaluated: 2025-06-29. Review status: criteria provided, single submitter. Criteria: Invitae Variant Classification Sherloc (09022015). Collection method: clinical testing. Allele origin: germline.
Comment: This sequence change replaces methionine, which is neutral and non-polar, with threonine, which is neutral and polar, at codon 302 of the SPG7 protein (p.Met302Thr). This variant is present in population databases (no rsID available, gnomAD 0.003%). This variant has not been reported in the literature in individuals affected with SPG7-related conditions. Invitae Evidence Modeling of protein sequence and biophysical properties (such as structural, functional, and spatial information, amino acid conservation, physicochemical variation, residue mobility, and thermodynamic stability) indicates that this missense variant is not expected to disrupt SPG7 protein function with a negative predictive value of 80%. In summary, the available evidence is currently insufficient to determine the role of this variant in disease. Therefore, it has been classified as a Variant of Uncertain Significance.

NM_003119.4(SPG7):c.905T>C (p.Met302Thr)

Gene: SPG7 (SPG7 matrix AAA peptidase subunit, paraplegin; plus strand). Cytogenetic location: 16q24.3.
Variant type: single nucleotide variant.
Coding change: c.905T>C on transcript NM_003119.4 (MANE Select); coding-DNA position 905, T replaced by C.
Protein change: p.Met302Thr; replaces methionine 302 with threonine.
Molecular consequence: missense variant.
Genome position (GRCh38, 1-based): chr16:89,530,726, T>C. VCF-style: chr16-89530726-T-C. GRCh37 (hg19) VCF-style: chr16-89597134-T-C.
Other names: c.905T>C, p.Met302Thr (NM_001363850.1, NM_199367.3); short protein forms M302T.
Identifiers: ClinVar variation 4743291 (VCV004743291.1).